The following is an entry in ClinVar:

NM_152443.3(RDH12):c.823G>T (p.Glu275Ter)

Genes: RDH12 (retinol dehydrogenase 12; plus strand), ZFYVE26 (zinc finger FYVE-type containing 26; minus strand), GPHN (gephyrin; plus strand). Cytogenetic location: 14q24.1.
Variant type: single nucleotide variant.
Coding change: c.823G>T on transcript NM_152443.3 (MANE Select); coding-DNA position 823, G replaced by T.
Protein change: p.Glu275Ter; replaces glutamic acid 275 with a stop codon.
Molecular consequence: nonsense.
Genome position (GRCh38, 1-based): chr14:67,729,355, G>T. VCF-style: chr14-67729355-G-T. GRCh37 (hg19) VCF-style: chr14-68196072-G-T.
Other names: short protein forms E275*.
Identifiers: ClinVar variation 1072734 (VCV001072734.9), dbSNP rs755909719, ClinGen allele CA7238823.
Genomic context (GRCh38, chr14:67,729,355, plus strand): 5'-GTCAAGACGGCACGGGAGGGGGCGCAGACCAGCCTGCACTGCGCCCTGGCTGAGGGCCTG[G>T]AGCCCCTGAGTGGCAAGTACTTCAGGTGTGTGAAGGCAATGCGGTTCTCTCCACCACCTG-3'

ClinVar aggregate classification (germline): Pathogenic (1 of 4 stars; one submission).

Conditions:
Leber congenital amaurosis 13 (LCA13). Identifiers: MedGen C2675186, MONDO:0012990, OMIM 612712.

Allele frequency attached by ClinVar (database versions not stated): gnomAD exomes below 0.00001; ExAC 0.00001.

Submission:

Labcorp Genetics (formerly Invitae), Labcorp
Classification: Pathogenic for Leber congenital amaurosis 13. Last evaluated: 2023-12-01. Review status: criteria provided, single submitter. Criteria: Invitae Variant Classification Sherloc (09022015). Collection method: clinical testing. Allele origin: germline.
Comment: This sequence change creates a premature translational stop signal (p.Glu275*) in the RDH12 gene. While this is not anticipated to result in nonsense mediated decay, it is expected to disrupt the last 42 amino acid(s) of the RDH12 protein. This variant is present in population databases (rs755909719, gnomAD 0.0009%). This premature translational stop signal has been observed in individual(s) with autosomal recessive Leber congenital amaurosis (PMID: 23847139). ClinVar contains an entry for this variant (Variation ID: 1072734). This variant disrupts a region of the RDH12 protein in which other variant(s) (p.Arg295*) have been determined to be pathogenic (PMID: 16269441, 22065924, 26047050, 28559085). This suggests that this is a clinically significant region of the protein, and that variants that disrupt it are likely to be disease-causing. For these reasons, this variant has been classified as Pathogenic.

Literature cited by the submitters: PubMed 23847139; PubMed 16269441; PubMed 22065924; PubMed 26047050; PubMed 28559085.